The following is an entry in ClinVar:

NM_001206979.2(NR1H4):c.268C>T (p.Arg90Cys)

Gene: NR1H4 (nuclear receptor subfamily 1 group H member 4; plus strand). Cytogenetic location: 12q23.1.
Variant type: single nucleotide variant.
Coding change: c.268C>T on transcript NM_001206979.2 (MANE Select); coding-DNA position 268, C replaced by T.
Protein change: p.Arg90Cys; replaces arginine 90 with cysteine.
Molecular consequence: missense variant. On other transcripts: non-coding transcript variant (1).
Genome position (GRCh38, 1-based): chr12:100,510,966, C>T. VCF-style: chr12-100510966-C-T. GRCh37 (hg19) VCF-style: chr12-100904744-C-T.
Other names: c.268C>T, p.Arg90Cys (NM_001206977.2, NM_001206978.2, NM_005123.4); c.298C>T, p.Arg100Cys (NM_001206992.2, NM_001206993.2); short protein forms R90C, R100C.
Identifiers: ClinVar variation 596067 (VCV000596067.54), dbSNP rs150295715, ClinGen allele CA6739203.

ClinVar aggregate classification (germline): Uncertain significance. Review status: criteria provided, multiple submitters, no conflicts (2 of 4 stars). 5 submissions from 5 submitters: Uncertain significance (5). Last evaluated 2025-05-19.

Conditions:
Cholestasis, progressive familial intrahepatic, 5 (PFIC5). Identifiers: Orphanet 480476, MedGen C4310747, MONDO:0014884, OMIM 617049.

Allele frequency attached by ClinVar (database versions not stated): TOPMed 0.00006; gnomAD 0.00007 and 0.00011; ESP Exome Variant Server 0.00008; 1000 Genomes Project 30x 0.00016; ExAC 0.00016; gnomAD exomes 0.00016; 1000 Genomes Project 0.00020.
gnomAD v4.1: 95 of 1,614,192 alleles (0.0059%); highest among the groups gnomAD compares: South Asian, 0.071%; no homozygotes.

Submissions (6):

Labcorp Genetics (formerly Invitae), Labcorp
Classification: Uncertain significance. Last evaluated: 2025-05-19. Review status: criteria provided, single submitter. Criteria: Invitae Variant Classification Sherloc (09022015). Collection method: clinical testing. Allele origin: germline.
Comment: This sequence change replaces arginine, which is basic and polar, with cysteine, which is neutral and slightly polar, at codon 90 of the NR1H4 protein (p.Arg90Cys). This variant is present in population databases (rs150295715, gnomAD 0.1%). This variant has not been reported in the literature in individuals affected with NR1H4-related conditions. ClinVar contains an entry for this variant (Variation ID: 596067). An algorithm developed to predict the effect of missense changes on protein structure and function (PolyPhen-2) suggests that this variant is likely to be disruptive. In summary, the available evidence is currently insufficient to determine the role of this variant in disease. Therefore, it has been classified as a Variant of Uncertain Significance.

Revvity Omics, Revvity
Classification: Uncertain significance for Cholestasis, progressive familial intrahepatic, 5. Last evaluated: 2021-06-17. Review status: criteria provided, single submitter. Criteria: ACMG Guidelines, 2015. Collection method: clinical testing. Allele origin: germline.

CeGaT Center for Human Genetics Tuebingen
Classification: Uncertain significance. Last evaluated: 2019-06-01. Review status: criteria provided, single submitter. Criteria: CeGaT Center For Human Genetics Tuebingen Variant Classification Criteria Version 2. Collection method: clinical testing. Allele origin: germline. Affected: yes. Observed: 4 variant alleles.

Eurofins Ntd Llc (ga)
Classification: Uncertain significance. Last evaluated: 2018-02-09. Review status: criteria provided, single submitter. Criteria: EGL ClinVar v180209 classification definitions. Collection method: clinical testing. Allele origin: germline. Observed: 1 variant allele, 1 heterozygote.

Neuberg Centre For Genomic Medicine, NCGM
Classification: Uncertain significance for Cholestasis, progressive familial intrahepatic, 5. Review status: criteria provided, single submitter. Criteria: ACMG Guidelines, 2015. Collection method: clinical testing. Allele origin: germline. Inheritance: Autosomal recessive inheritance. Affected: yes.
Comment: The observed missense variant c.268C>T(p.Arg90Cys) in NR1H4 gene has not been reported previously as a pathogenic variant nor as a benign variant, to our knowledge. The c.268C>T variant has 0.01% allele frequency in gnomAD Exomes. This variant has been reported to the ClinVar database as Uncertain Significance. However, study on multiple affected individuals and functional impact of the variant is not available. The amino acid Arginine at position 90 is changed to a Cysteine changing protein sequence and it might alter its composition and physico-chemical properties. The amino acid change p.Arg90Cys in NR1H4 is predicted as conserved by GERP++ and PhyloP across 100 vertebrates. For these reasons, this variant has been classified as Uncertain Significance.

Dr. Peter K. Rogan Lab, Western University
No classification provided (evidence only). Condition: Familial cancer of breast. Review status: no classification provided. Collection method: in vitro. Allele origin: not applicable. Functional consequence: retained intron. Not counted in ClinVar's aggregate classification.